The following is an entry in ClinVar:

NM_001035.3(RYR2):c.11767T>C (p.Tyr3923His)

Gene: RYR2 (ryanodine receptor 2; plus strand). Cytogenetic location: 1q43.
Variant type: single nucleotide variant.
Coding change: c.11767T>C on transcript NM_001035.3 (MANE Select); coding-DNA position 11767, T replaced by C.
Protein change: p.Tyr3923His; replaces tyrosine 3923 with histidine.
Molecular consequence: missense variant.
Genome position (GRCh38, 1-based): chr1:237,773,640, T>C. VCF-style: chr1-237773640-T-C. GRCh37 (hg19) VCF-style: chr1-237936940-T-C.
Other names: short protein forms Y3923H.
Identifiers: ClinVar variation 4800113 (VCV004800113.1).

ClinVar aggregate classification (germline): Uncertain significance (1 of 4 stars; one submission).

Conditions:
Catecholaminergic polymorphic ventricular tachycardia 1. Also called: VENTRICULAR TACHYCARDIA, STRESS-INDUCED POLYMORPHIC 1; RYR2-Related Catecholaminergic Polymorphic Ventricular Tachycardia; VENTRICULAR TACHYCARDIA, CATECHOLAMINERGIC POLYMORPHIC, 1, WITH OR WITHOUT ATRIAL DYSFUNCTION AND/OR DILATED CARDIOMYOPATHY. Identifiers: Orphanet 3286, MedGen C1631597, MONDO:0011484, OMIM 604772.

gnomAD v4.1: 1 of 1,610,976 alleles (0.000062%); highest among the groups gnomAD compares: Non-Finnish European, 0.000085%; no homozygotes.

Submission:

Labcorp Genetics (formerly Invitae), Labcorp
Classification: Uncertain significance for Catecholaminergic polymorphic ventricular tachycardia 1. Last evaluated: 2025-02-04. Review status: criteria provided, single submitter. Criteria: Invitae Variant Classification Sherloc (09022015). Collection method: clinical testing. Allele origin: germline.
Comment: This sequence change replaces tyrosine, which is neutral and polar, with histidine, which is basic and polar, at codon 3923 of the RYR2 protein (p.Tyr3923His). This variant is not present in population databases (gnomAD no frequency). This variant has not been reported in the literature in individuals affected with RYR2-related conditions. Invitae Evidence Modeling of protein sequence and biophysical properties (such as structural, functional, and spatial information, amino acid conservation, physicochemical variation, residue mobility, and thermodynamic stability) indicates that this missense variant is expected to disrupt RYR2 protein function with a positive predictive value of 95%. In summary, the available evidence is currently insufficient to determine the role of this variant in disease. Therefore, it has been classified as a Variant of Uncertain Significance.